The following is an entry in ClinVar:

ClinVar aggregate classification (germline): Uncertain significance (1 of 4 stars; one submission).

Conditions:
Progressive sclerosing poliodystrophy (MTDPS4A). Also called: Mitochondrial DNA Depletion Syndrome 4A; Alpers-Huttenlocher Syndrome (AHS); ALPERS PROGRESSIVE INFANTILE POLIODYSTROPHY; NEURONAL DEGENERATION OF CHILDHOOD WITH LIVER DISEASE, PROGRESSIVE; Mitochondrial DNA depletion syndrome 4A (Alpers type); Alpers Syndrome. Identifiers: Orphanet 726, MedGen C0205710, MONDO:0008758, OMIM 203700.

Allele frequency attached by ClinVar (database versions not stated): TOPMed below 0.00001; ESP Exome Variant Server 0.00008.

Submission:

Labcorp Genetics (formerly Invitae), Labcorp
Classification: Uncertain significance for Progressive sclerosing poliodystrophy. Last evaluated: 2022-02-23. Review status: criteria provided, single submitter. Criteria: Invitae Variant Classification Sherloc (09022015). Collection method: clinical testing. Allele origin: germline.
Comment: In summary, the available evidence is currently insufficient to determine the role of this variant in disease. Therefore, it has been classified as a Variant of Uncertain Significance. This sequence change replaces glutamine, which is neutral and polar, with glutamic acid, which is acidic and polar, at codon 843 of the POLG protein (p.Gln843Glu). This variant is not present in population databases (gnomAD no frequency). This variant has not been reported in the literature in individuals affected with POLG-related conditions. Algorithms developed to predict the effect of missense changes on protein structure and function are either unavailable or do not agree on the potential impact of this missense change (SIFT: "Tolerated"; PolyPhen-2: "Possibly Damaging"; Align-GVGD: "Class C0").

NM_002693.3(POLG):c.2527C>G (p.Gln843Glu)

Gene: POLG (DNA polymerase gamma, catalytic subunit; minus strand). Cytogenetic location: 15q26.1.
Variant type: single nucleotide variant.
Coding change: c.2527C>G on transcript NM_002693.3 (MANE Select); coding-DNA position 2527, C replaced by G.
Protein change: p.Gln843Glu; replaces glutamine 843 with glutamic acid.
Molecular consequence: missense variant.
Genome position (GRCh38, 1-based): chr15:89,321,807, G>C on the plus strand (C>G on the coding strand, the complement: POLG is on the minus strand). VCF-style: chr15-89321807-G-C. GRCh37 (hg19) VCF-style: chr15-89865038-G-C.
Other names: c.2527C>G, p.Gln843Glu (NM_001126131.2); short protein forms Q843E.
Identifiers: ClinVar variation 2101418 (VCV002101418.4), dbSNP rs371796153, ClinGen allele CA274547359.